The following is an entry in ClinVar:

ClinVar aggregate classification (germline): Uncertain significance. Review status: criteria provided, multiple submitters, no conflicts (2 of 4 stars). 2 submissions from 2 submitters: Uncertain significance (2). Last evaluated 2025-12-21.

Allele frequency attached by ClinVar (database versions not stated): TOPMed 0.00003; gnomAD 0.00005; ESP Exome Variant Server 0.00008; ExAC 0.00019.
gnomAD v4.1: 68 of 1,607,926 alleles (0.0042%); highest among the groups gnomAD compares: African/African-American, 0.011%; no homozygotes.

Submissions (2):

Labcorp Genetics (formerly Invitae), Labcorp
Classification: Uncertain significance. Last evaluated: 2025-12-21. Review status: criteria provided, single submitter. Criteria: Invitae Variant Classification Sherloc (09022015). Collection method: clinical testing. Allele origin: germline.
Comment: This sequence change replaces arginine, which is basic and polar, with cysteine, which is neutral and slightly polar, at codon 1825 of the CACNA1D protein (p.Arg1825Cys). This variant is present in population databases (rs376315757, gnomAD 0.02%). This variant has not been reported in the literature in individuals affected with CACNA1D-related conditions. ClinVar contains an entry for this variant (Variation ID: 1939323). An algorithm developed to predict the effect of missense changes on protein structure and function (PolyPhen-2) suggests that this variant is likely to be disruptive. In summary, the available evidence is currently insufficient to determine the role of this variant in disease. Therefore, it has been classified as a Variant of Uncertain Significance.

Blueprint Genetics
Classification: Uncertain significance. Last evaluated: 2024-07-16. Review status: criteria provided, single submitter. Criteria: ACMG Guidelines, 2015. Collection method: clinical testing. Allele origin: germline.

NM_001128840.3(CACNA1D):c.5413C>T (p.Arg1805Cys)

Gene: CACNA1D (calcium voltage-gated channel subunit alpha1 D; plus strand). Cytogenetic location: 3p21.1.
Variant type: single nucleotide variant.
Coding change: c.5413C>T on transcript NM_001128840.3 (MANE Select); coding-DNA position 5413, C replaced by T.
Protein change: p.Arg1805Cys; replaces arginine 1805 with cysteine.
Molecular consequence: missense variant. On other transcripts: intron variant (1).
Genome position (GRCh38, 1-based): chr3:53,802,151, C>T. VCF-style: chr3-53802151-C-T. GRCh37 (hg19) VCF-style: chr3-53836178-C-T.
Other names: c.5473C>T, p.Arg1825Cys (NM_000720.4); c.5363+726C>T (NM_001128839.3); short protein forms R1825C, R1805C.
Identifiers: ClinVar variation 1939323 (VCV001939323.6), dbSNP rs376315757, ClinGen allele CA2455130.